The following is an entry in ClinVar:

NM_177438.3(DICER1):c.4211A>C (p.Lys1404Thr)

Gene: DICER1 (dicer 1, ribonuclease III; minus strand). Cytogenetic location: 14q32.13.
Variant type: single nucleotide variant.
Coding change: c.4211A>C on transcript NM_177438.3 (MANE Select); coding-DNA position 4211, A replaced by C.
Protein change: p.Lys1404Thr; replaces lysine 1404 with threonine.
Molecular consequence: missense variant.
Genome position (GRCh38, 1-based): chr14:95,096,709, T>G on the plus strand (A>C on the coding strand, the complement: DICER1 is on the minus strand). VCF-style: chr14-95096709-T-G. GRCh37 (hg19) VCF-style: chr14-95563046-T-G.
Other names: c.4211A>C, p.Lys1404Thr (NM_030621.4, NM_001195573.1, NM_001271282.3 and 1 more transcripts); short protein forms K1404T.
Identifiers: ClinVar variation 1498786 (VCV001498786.12), dbSNP rs2139855689, ClinGen allele CA390869892.

ClinVar aggregate classification (germline): Uncertain significance. Review status: criteria provided, multiple submitters, no conflicts (2 of 4 stars). 2 submissions from 2 submitters: Uncertain significance (2). Last evaluated 2025-09-03.

Conditions:
DICER1-related tumor predisposition. Also called: DICER1 syndrome; DICER1-related pleuropulmonary blastoma cancer predisposition syndrome. Identifiers: Orphanet 284343, MedGen C3839822, MONDO:0100216.
Hereditary cancer-predisposing syndrome. Also called: Tumor predisposition; Hereditary neoplastic syndrome; Neoplastic Syndromes, Hereditary; Hereditary Cancer Syndrome. Identifiers: Orphanet 140162, MedGen C0027672, MeSH D009386, MONDO:0015356.

Submissions (2):

Ambry Genetics
Classification: Uncertain significance for Hereditary cancer-predisposing syndrome. Last evaluated: 2025-09-03. Review status: criteria provided, single submitter. Criteria: Ambry Variant Classification Scheme 2023. Collection method: clinical testing. Allele origin: germline.
Comment: The p.K1404T variant (also known as c.4211A>C), located in coding exon 22 of the DICER1 gene, results from an A to C substitution at nucleotide position 4211. The lysine at codon 1404 is replaced by threonine, an amino acid with similar properties. This amino acid position is well conserved in available vertebrate species. In addition, the in silico prediction for this alteration is inconclusive. Based on the available evidence, the clinical significance of this variant remains unclear.

Labcorp Genetics (formerly Invitae), Labcorp
Classification: Uncertain significance for DICER1-related tumor predisposition. Last evaluated: 2025-02-20. Review status: criteria provided, single submitter. Criteria: Invitae Variant Classification Sherloc (09022015). Collection method: clinical testing. Allele origin: germline.
Comment: This sequence change replaces lysine, which is basic and polar, with threonine, which is neutral and polar, at codon 1404 of the DICER1 protein (p.Lys1404Thr). This variant is not present in population databases (gnomAD no frequency). This variant has not been reported in the literature in individuals affected with DICER1-related conditions. ClinVar contains an entry for this variant (Variation ID: 1498786). Invitae Evidence Modeling of protein sequence and biophysical properties (such as structural, functional, and spatial information, amino acid conservation, physicochemical variation, residue mobility, and thermodynamic stability) indicates that this missense variant is not expected to disrupt DICER1 protein function with a negative predictive value of 95%. In summary, the available evidence is currently insufficient to determine the role of this variant in disease. Therefore, it has been classified as a Variant of Uncertain Significance.